The following is an entry in ClinVar:

ClinVar aggregate classification (germline): Uncertain significance (1 of 4 stars; one submission).

gnomAD v4.1: 3 of 1,608,746 alleles (0.00019%); highest among the groups gnomAD compares: Non-Finnish European, 0.00025%; no homozygotes.

Submission:

Labcorp Genetics (formerly Invitae), Labcorp
Classification: Uncertain significance. Last evaluated: 2024-11-25. Review status: criteria provided, single submitter. Criteria: Invitae Variant Classification Sherloc (09022015). Collection method: clinical testing. Allele origin: germline.
Comment: This sequence change replaces proline, which is neutral and non-polar, with leucine, which is neutral and non-polar, at codon 997 of the ABCA3 protein (p.Pro997Leu). This variant is present in population databases (no rsID available, gnomAD 0.0009%). This variant has not been reported in the literature in individuals affected with ABCA3-related conditions. Invitae Evidence Modeling of protein sequence and biophysical properties (such as structural, functional, and spatial information, amino acid conservation, physicochemical variation, residue mobility, and thermodynamic stability) indicates that this missense variant is not expected to disrupt ABCA3 protein function with a negative predictive value of 80%. In summary, the available evidence is currently insufficient to determine the role of this variant in disease. Therefore, it has been classified as a Variant of Uncertain Significance.

NM_001089.3(ABCA3):c.2990C>T (p.Pro997Leu)

Gene: ABCA3 (ATP binding cassette subfamily A member 3; minus strand). Cytogenetic location: 16p13.3.
Variant type: single nucleotide variant.
Coding change: c.2990C>T on transcript NM_001089.3 (MANE Select); coding-DNA position 2990, C replaced by T.
Protein change: p.Pro997Leu; replaces proline 997 with leucine.
Molecular consequence: missense variant.
Genome position (GRCh38, 1-based): chr16:2,288,040, G>A on the plus strand (C>T on the coding strand, the complement: ABCA3 is on the minus strand). VCF-style: chr16-2288040-G-A. GRCh37 (hg19) VCF-style: chr16-2338041-G-A.
Other names: short protein forms P997L.
Identifiers: ClinVar variation 3607881 (VCV003607881.2).